The following is an entry in ClinVar:

ClinVar aggregate classification (germline): Uncertain significance (1 of 4 stars; one submission).

Allele frequency attached by ClinVar (database versions not stated): gnomAD exomes below 0.00001; gnomAD 0.00001; TOPMed 0.00001; ExAC 0.00003.

Submission:

Labcorp Genetics (formerly Invitae), Labcorp
Classification: Uncertain significance. Last evaluated: 2024-07-01. Review status: criteria provided, single submitter. Criteria: Invitae Variant Classification Sherloc (09022015). Collection method: clinical testing. Allele origin: germline.
Comment: This sequence change affects codon 757 of the CLCN2 mRNA. It is a 'silent' change, meaning that it does not change the encoded amino acid sequence of the CLCN2 protein. It affects a nucleotide within the consensus splice site. This variant is present in population databases (rs749372329, gnomAD 0.004%). This variant has not been reported in the literature in individuals affected with CLCN2-related conditions. Algorithms developed to predict the effect of sequence changes on RNA splicing suggest that this variant is not likely to affect RNA splicing. In summary, the available evidence is currently insufficient to determine the role of this variant in disease. Therefore, it has been classified as a Variant of Uncertain Significance.

NM_004366.6(CLCN2):c.2271A>C (p.Ala757=)

Gene: CLCN2 (chloride voltage-gated channel 2; minus strand). Cytogenetic location: 3q27.1.
Variant type: single nucleotide variant.
Coding change: c.2271A>C on transcript NM_004366.6 (MANE Select); coding-DNA position 2271, A replaced by C.
Protein change: p.Ala757=; no amino-acid change (alanine 757 retained).
Molecular consequence: synonymous variant.
Genome position (GRCh38, 1-based): chr3:184,352,443, T>G on the plus strand (A>C on the coding strand, the complement: CLCN2 is on the minus strand). VCF-style: chr3-184352443-T-G. GRCh37 (hg19) VCF-style: chr3-184070231-T-G.
Other names: c.2220A>C, p.Ala740= (NM_001171087.3); c.2139A>C, p.Ala713= (NM_001171088.3); c.2271A>C, p.Ala757= (NM_001171089.3).
Identifiers: ClinVar variation 2963205 (VCV002963205.3), dbSNP rs749372329, ClinGen allele CA2733777.
Genomic context (GRCh38, chr3:184,352,443, plus strand): 5'-CCTAGACCCTGCCCTCCCTGCCCGGTGCCGCCGAGATGCTAGAAGAGCAGGCATACTTAC[T>G]GCCAGGGAGATTCGGACACGCTTCAGCTTGCGCTTCTCACAGGATTCCAACTTCTTCAGT-3'
Protein context (NP_004357.3, residues 747-767): RKLKRVRISL[Ala757=]SDADLEGEMS